The following is an entry in ClinVar:

ClinVar aggregate classification (germline): Pathogenic (1 of 4 stars; one submission).

Conditions:
Hereditary breast ovarian cancer syndrome. Also called: Breast and ovarian cancer; BRCA1- and BRCA2-Associated Hereditary Breast and Ovarian Cancer; Hereditary breast and ovarian cancer; Hereditary breast and ovarian cancer syndrome (HBOC); Hereditary breast and ovarian cancer syndrome; Hereditary breast and/or ovarian cancer syndrome. Identifiers: Orphanet 145, MedGen C0677776, MeSH D061325, MONDO:0003582. Disease mechanism: loss of function.

Submission:

Labcorp Genetics (formerly Invitae), Labcorp
Classification: Pathogenic for Hereditary breast ovarian cancer syndrome. Last evaluated: 2022-08-20. Review status: criteria provided, single submitter. Criteria: Invitae Variant Classification Sherloc (09022015). Collection method: clinical testing. Allele origin: germline.
Comment: This variant has not been reported in the literature in individuals affected with BRCA1-related conditions. For these reasons, this variant has been classified as Pathogenic. This variant is not present in population databases (gnomAD no frequency). This sequence change creates a premature translational stop signal (p.Gln1401Profs*2) in the BRCA1 gene. It is expected to result in an absent or disrupted protein product. Loss-of-function variants in BRCA1 are known to be pathogenic (PMID: 20104584).

Literature cited by the submitters: PubMed 20104584.

NM_007294.4(BRCA1):c.4202_4203del (p.Gln1401fs)

Gene: BRCA1 (BRCA1 DNA repair associated; minus strand). Cytogenetic location: 17q21.31.
Variant type: Deletion.
Coding change: c.4202_4203del on transcript NM_007294.4 (MANE Select); coding-DNA positions 4202 to 4203, 2 bases deleted (AA; older notation c.4202_4203delAA).
Protein change: p.Gln1401fs; shifts the reading frame from glutamine 1401.
Molecular consequence: frameshift variant. On other transcripts: non-coding transcript variant (1).
Genome position (GRCh38, 1-based): chr17:43,082,558-43,082,559, TT deleted on the plus strand (AA on the coding strand, the reverse complement: BRCA1 is on the minus strand). VCF-style (leftmost placement, unchanged base first): chr17-43082557-GTT-G. GRCh37 (hg19) VCF-style: chr17-41234574-GTT-G.
Other names: c.3989_3990delAA, p.Gln1330Profs (NM_001407571.1, NM_001407853.1, NM_001407894.1 and 12 more transcripts); c.4202_4203delAA, p.Gln1401Profs (NM_001407581.1, NM_001407582.1, NM_001407583.1 and 22 more transcripts); c.4199_4200delAA, p.Gln1400Profs (NM_001407587.1, NM_001407590.1, NM_001407591.1 and 21 more transcripts); c.4196_4197delAA, p.Gln1399Profs (NM_001407627.1, NM_001407628.1, NM_001407629.1 and 5 more transcripts); c.4190_4191delAA, p.Gln1397Profs (NM_001407646.1, NM_001407647.1); c.4079_4080delAA, p.Gln1360Profs (NM_001407648.1, NM_001407664.1, NM_001407665.1 and 13 more transcripts); c.4076_4077delAA, p.Gln1359Profs (NM_001407649.1, NM_001407670.1, NM_001407671.1 and 12 more transcripts); c.4124_4125delAA, p.Gln1375Profs (NM_001407653.1, NM_001407654.1, NM_001407655.1 and 2 more transcripts); and 54 more; short protein forms Q1354fs, Q1401fs, Q298fs.
Identifiers: ClinVar variation 2025101 (VCV002025101.4), dbSNP rs2551935635, ClinGen allele CA2580093817.
Genomic context (GRCh38, chr17:43,082,557, plus strand): 5'-CATGCTGTTCTAACACAGCTTCTAGTTCAGCCATTTCCTGCTGGAGCTTTATCAGGTTAT[GTT>G]GCATGGTATCCCTCTGCTTCAAAAACGATAAATGGCACCAAGAAAATGAAATACTTTGAG-3'